The following is an entry in ClinVar:

NM_002474.3(MYH11):c.5284G>A (p.Ala1762Thr)

Genes: NDE1 (nudE neurodevelopment protein 1; plus strand), MYH11 (myosin heavy chain 11; minus strand). Cytogenetic location: 16p13.11.
Variant type: single nucleotide variant.
Coding change: c.5284G>A on transcript NM_002474.3 (MANE Select); coding-DNA position 5284, G replaced by A.
Protein change: p.Ala1762Thr; replaces alanine 1762 with threonine.
Molecular consequence: missense variant. On other transcripts: intron variant (2).
Genome position (GRCh38, 1-based): chr16:15,718,326, C>T on the plus strand (G>A on the coding strand, the complement: MYH11 is on the minus strand). VCF-style: chr16-15718326-C-T. GRCh37 (hg19) VCF-style: chr16-15812183-C-T.
Other names: c.5305G>A, p.Ala1769Thr (NM_001040113.2, NM_001040114.2); c.5284G>A, p.Ala1762Thr (NM_022844.3); c.948-5865C>T (NM_001143979.2, NM_017668.3); short protein forms A1769T, A1762T.
Identifiers: ClinVar variation 465749 (VCV000465749.8), dbSNP rs142824472, ClinGen allele CA278596019.

ClinVar aggregate classification (germline): Uncertain significance (1 of 4 stars; one submission).

Conditions:
Aortic aneurysm, familial thoracic 4 (AAT4). Also called: AORTIC ANEURYSM/AORTIC DISSECTION AND PATENT DUCTUS ARTERIOSUS. Identifiers: MedGen C1851504, MONDO:0007568, OMIM 132900.

Allele frequency attached by ClinVar (database versions not stated): TOPMed below 0.00001; ESP Exome Variant Server 0.00008.

Submission:

Labcorp Genetics (formerly Invitae), Labcorp
Classification: Uncertain significance for Aortic aneurysm, familial thoracic 4. Last evaluated: 2017-07-23. Review status: criteria provided, single submitter. Criteria: Invitae Variant Classification Sherloc (09022015). Collection method: clinical testing. Allele origin: germline.
Comment: This variant has not been reported in the literature in individuals with MYH11-related disease. In summary, the available evidence is currently insufficient to determine the role of this variant in disease. Therefore, it has been classified as a Variant of Uncertain Significance. Algorithms developed to predict the effect of missense changes on protein structure and function do not agree on the potential impact of this missense change (SIFT: "Deleterious"; PolyPhen-2: "Benign"; Align-GVGD: "Class C0"). This variant is not present in population databases (ExAC no frequency). This sequence change replaces alanine with threonine at codon 1769 of the MYH11 protein (p.Ala1769Thr). The alanine residue is highly conserved and there is a small physicochemical difference between alanine and threonine.